The following is an entry in ClinVar:

ClinVar aggregate classification (germline): Uncertain significance (1 of 4 stars; one submission).

Submission:

ARUP Laboratories, Molecular Genetics and Genomics, ARUP Laboratories
Classification: Uncertain significance. Last evaluated: 2023-12-27. Review status: criteria provided, single submitter. Criteria: ARUP Molecular Germline Variant Investigation Process 2024. Collection method: clinical testing. Allele origin: germline.
Comment: The F8 c.1970A>G; p.Tyr657Cys variant (rs2073314787) is reported in the literature in an individual affected with mild hemophilia A (see F8 database and reference therein). This variant is absent from the Genome Aggregation Database (v2.1.1), indicating it is not a common polymorphism. Additionally, another variant at this codon (c.1969 T>C, p.Tyr657His) has been reported in an individual with a bleeding disorder; however, the clinical significance of this variant is unknown (Baz 2021). Computational analyses predict that this variant is deleterious (REVEL: 0.833). However, given the lack of clinical and functional data, the significance of the p.Tyr657Cys variant is uncertain at this time. References: Link to F8 database: Baz B et al. Molecular classification of blood and bleeding disorder genes. NPJ Genom Med. 2021 Jul 16;6(1):62. PMID: 34272389.

NM_000132.4(F8):c.1970A>G (p.Tyr657Cys)

Gene: F8 (coagulation factor VIII; minus strand). Cytogenetic location: Xq28.
Variant type: single nucleotide variant.
Coding change: c.1970A>G on transcript NM_000132.4 (MANE Select); coding-DNA position 1970, A replaced by G.
Protein change: p.Tyr657Cys; replaces tyrosine 657 with cysteine.
Molecular consequence: missense variant.
Genome position (GRCh38, 1-based): chrX:154,947,841, T>C on the plus strand (A>G on the coding strand, the complement: F8 is on the minus strand). VCF-style: chrX-154947841-T-C. GRCh37 (hg19) VCF-style: chrX-154176116-T-C.
Other names: short protein forms Y657C.
Identifiers: ClinVar variation 3766849 (VCV003766849.1).